The following is an entry in ClinVar:

ClinVar aggregate classification (germline): Conflicting classifications of pathogenicity. Review status: criteria provided, conflicting classifications (1 of 4 stars). 2 submissions from 2 submitters: Uncertain significance (1); Likely benign (1). Last evaluated 2025-08-09.

Conditions:
Inborn genetic diseases. Identifiers: MedGen C0950123, MeSH D030342.
Hypermethioninemia with deficiency of S-adenosylhomocysteine hydrolase. Identifiers: Orphanet 88618, MedGen C3151058, MONDO:0013404, OMIM 613752.

Allele frequency attached by ClinVar (database versions not stated): gnomAD exomes 0.00001.
gnomAD v4.1: 11 of 1,612,780 alleles (0.00068%); highest among the groups gnomAD compares: Non-Finnish European, 0.00076%; no homozygotes.

Submissions (2):

Labcorp Genetics (formerly Invitae), Labcorp
Classification: Likely benign for Hypermethioninemia with deficiency of S-adenosylhomocysteine hydrolase. Last evaluated: 2025-08-09. Review status: criteria provided, single submitter. Criteria: Invitae Variant Classification Sherloc (09022015). Collection method: clinical testing. Allele origin: germline.

Ambry Genetics
Classification: Uncertain significance for Inborn genetic diseases. Last evaluated: 2021-05-24. Review status: criteria provided, single submitter. Criteria: Ambry Variant Classification Scheme 2023. Collection method: clinical testing. Allele origin: germline.
Comment: The c.1168-5C>T intronic alteration consists of a C to T substitution 5 nucleotides before coding exon 10 in the AHCY gene. Based on insufficient or conflicting evidence, the clinical significance of this alteration remains unclear.

NM_000687.4(AHCY):c.1168-5C>T

Gene: AHCY (adenosylhomocysteinase; minus strand). Cytogenetic location: 20q11.22.
Variant type: single nucleotide variant.
Coding change: c.1168-5C>T on transcript NM_000687.4 (MANE Select); 5 bases into the intron before coding-DNA position 1168, C replaced by T.
Molecular consequence: intron variant.
Genome position (GRCh38, 1-based): chr20:34,281,170, G>A on the plus strand (C>T on the coding strand, the complement: AHCY is on the minus strand). VCF-style: chr20-34281170-G-A. GRCh37 (hg19) VCF-style: chr20-32868976-G-A.
Other names: c.1084-5C>T (NM_001161766.2, NM_001322085.2, NM_001322084.2); c.1168-5C>T (NM_001362750.2); c.1174-5C>T (NM_001322086.2).
Identifiers: ClinVar variation 2231293 (VCV002231293.3), dbSNP rs1205748381, ClinGen allele CA510271676.
Genomic context (GRCh38, chr20:34,281,170, plus strand): 5'-TTGGTCAACTTCACATTCAGCTTGCCCAGGTGGGCTTCAGCCACTGCCTCATCCAGCTGG[G>A]GAGAAACAAAGGAAGACCGGGAATCAGTGCCATTTTCTGGGACCCCTACACGCGTCTGGC-3'